The following is an entry in ClinVar:

ClinVar aggregate classification (germline): Likely pathogenic (1 of 4 stars; one submission).

Conditions:
Epilepsy, X-linked 1, with variable learning disabilities and behavior disorders. Also called: X-linked epilepsy-learning disabilities-behavior disorders syndrome. Identifiers: Orphanet 85294, MedGen C5774177, MONDO:0010339, OMIM 300491.

Submission:

Labcorp Genetics (formerly Invitae), Labcorp
Classification: Likely pathogenic for Epilepsy, X-linked 1, with variable learning disabilities and behavior disorders. Last evaluated: 2018-11-23. Review status: criteria provided, single submitter. Criteria: Invitae Variant Classification Sherloc (09022015). Collection method: clinical testing. Allele origin: unknown.
Comment: In summary, the currently available evidence indicates that the variant is pathogenic, but additional data are needed to prove that conclusively. Therefore, this variant has been classified as Likely Pathogenic. Loss-of-function variants in SYN1 are known to be pathogenic (PMID: 14985377, 21441247). This variant has not been reported in the literature in individuals with SYN1-related conditions. This variant is a deletion of the genomic region encompassing exon 5 and part of exon 4 (c.639_774+3770del) of the SYN1 gene. It is expected to disrupt RNA splicing and likely results in an absent or disrupted protein product.

Literature cited by the submitters: PubMed 14985377; PubMed 21441247.

NC_000023.10:g.(?_47460607)_(47464667_?)del

Gene: SYN1 (synapsin I; minus strand). Cytogenetic location: Xp11.23.
Variant type: Deletion.
Identifiers: ClinVar variation 3244696 (VCV003244696.1).